The following is an entry in ClinVar:

NM_001271.4(CHD2):c.667C>G (p.Arg223Gly)

Gene: CHD2 (chromodomain helicase DNA binding protein 2; plus strand). Cytogenetic location: 15q26.1.
Variant type: single nucleotide variant.
Coding change: c.667C>G on transcript NM_001271.4 (MANE Select); coding-DNA position 667, C replaced by G.
Protein change: p.Arg223Gly; replaces arginine 223 with glycine.
Molecular consequence: missense variant.
Genome position (GRCh38, 1-based): chr15:92,939,693, C>G. VCF-style: chr15-92939693-C-G. GRCh37 (hg19) VCF-style: chr15-93482923-C-G.
Other names: c.667C>G, p.Arg223Gly (NM_001042572.3); short protein forms R223G.
Identifiers: ClinVar variation 420908 (VCV000420908.4), dbSNP rs200830337, ClinGen allele CA16620039.
Genomic context (GRCh38, chr15:92,939,693, plus strand): 5'-AAAAAGCAAGATTCTTCTGATGAGGATGATGATGATGACGAAGCTCCCAAAAGGCAGACT[C>G]GTCGAAGAGCGGCTAAAAACGTTAGGTAAGTTGTACCCCAGAAGTGTTTCACTGGTGTGA-3'
Protein context (NP_001262.3, residues 213-233): DDDEAPKRQT[Arg223Gly]RRAAKNVSYK

ClinVar aggregate classification (germline): Uncertain significance. Review status: criteria provided, multiple submitters, no conflicts (2 of 4 stars). 2 submissions from 2 submitters: Uncertain significance (2). Last evaluated 2018-09-29.

Conditions:
Inborn genetic diseases. Identifiers: MedGen C0950123, MeSH D030342.

Submissions (2):

Ambry Genetics
Classification: Uncertain significance for Inborn genetic diseases. Last evaluated: 2018-09-29. Review status: criteria provided, single submitter. Criteria: Ambry Variant Classification Scheme 2023. Collection method: clinical testing. Allele origin: germline.
Comment: The p.R223G variant (also known as c.667C>G), located in coding exon 6 of the CHD2 gene, results from a C to G substitution at nucleotide position 667. The arginine at codon 223 is replaced by glycine, an amino acid with dissimilar properties. This amino acid position is highly conserved in available vertebrate species. In addition, this alteration is predicted to be deleterious by in silico analysis. Since supporting evidence is limited at this time, the clinical significance of this alteration remains unclear.

GeneDx
Classification: Uncertain significance. Last evaluated: 2016-04-12. Review status: criteria provided, single submitter. Criteria: GeneDx Variant Classification (06012015). Collection method: clinical testing. Allele origin: germline. Affected: yes.
Comment: A variant of uncertain significance has been identified in the CHD2 gene. The R223G variant has not been published as a pathogenic variant, nor has it been reported as a benign variant to our knowledge. It was not observed in approximately 6,500 individuals of European and African American ancestry in the NHLBI Exome Sequencing Project, indicating it is not a common benign variant in these populations. The R223G variant is a non-conservative amino acid substitution, which is likely to impact secondary protein structure as these residues differ in polarity, charge, size and/or other properties. This substitution occurs at a position that is conserved across species and in silico analysis predicts this variant is probably damaging to the protein structure/function. However, missense variants in nearby residues have not been reported in the Human Gene Mutation Database in association with CHD2-related disease (Stenson et al., 2014). Therefore, based on the currently available information, it is unclear whether this variant is a pathogenic variant or a rare benign variant.

Literature cited by the submitters: PubMed 26073591 (cited by Ambry Genetics).